The following is an entry in ClinVar:

ClinVar aggregate classification (germline): Benign (1 of 4 stars; one submission).

Submission:

CeGaT Center for Human Genetics Tuebingen
Classification: Benign. Last evaluated: 2022-04-01. Review status: criteria provided, single submitter. Criteria: CeGaT Center For Human Genetics Tuebingen Variant Classification Criteria Version 2. Collection method: clinical testing. Allele origin: germline. Affected: yes. Observed: 1 variant allele.
Comment: BMP4: BS1, BS2

NM_001202.6(BMP4):c.*147_*148dup

Gene: BMP4 (bone morphogenetic protein 4; minus strand). Cytogenetic location: 14q22.2.
Variant type: Duplication.
Coding change: c.*147_*148dup on transcript NM_001202.6 (MANE Select); 147 bases downstream of the stop codon through 148 bases downstream of the stop codon, 2 bases duplicated (AA; older notation c.*147_*148dupAA).
Molecular consequence: 3 prime UTR variant.
Genome position (GRCh38, 1-based): chr14:53,949,884-53,949,885, TT duplicated on the plus strand (AA on the coding strand, the reverse complement: BMP4 is on the minus strand); duplicating any 2 consecutive bases within chr14:53,949,884-53,949,901 gives the same sequence; the c. name uses the placement nearest the transcript's 3' end. VCF-style (leftmost placement, unchanged base first): chr14-53949883-C-CTT. GRCh37 (hg19) VCF-style: chr14-54416601-C-CTT.
Other names: c.*147_*148dup (NM_001347912.1, NM_001347913.2, NM_001347914.2 and 5 more transcripts).
Identifiers: ClinVar variation 2644247 (VCV002644247.24), dbSNP rs1555339771, ClinGen allele CA706826304.